The following is an entry in ClinVar:

NM_206933.4(USH2A):c.4820G>A (p.Trp1607Ter)

Gene: USH2A (usherin; minus strand). Cytogenetic location: 1q41.
Variant type: single nucleotide variant.
Coding change: c.4820G>A on transcript NM_206933.4 (MANE Select); coding-DNA position 4820, G replaced by A.
Protein change: p.Trp1607Ter; replaces tryptophan 1607 with a stop codon.
Molecular consequence: nonsense.
Genome position (GRCh38, 1-based): chr1:216,089,078, C>T on the plus strand (G>A on the coding strand, the complement: USH2A is on the minus strand). VCF-style: chr1-216089078-C-T. GRCh37 (hg19) VCF-style: chr1-216262420-C-T.
Other names: short protein forms W1607*.
Identifiers: ClinVar variation 1437587 (VCV001437587.8), dbSNP rs769612846, ClinGen allele CA1395610.

ClinVar aggregate classification (germline): Pathogenic/Likely pathogenic. Review status: criteria provided, multiple submitters, no conflicts (2 of 4 stars). 3 submissions from 3 submitters: Pathogenic (2); Likely pathogenic (1). Last evaluated 2023-02-23.

Conditions:
USH2A-related disorder. Also called: USH2A-related disorders; USH2A-related condition. Identifiers: MedGen CN239332.
Retinitis pigmentosa 39 (RP39). Identifiers: Orphanet 791, MedGen C3151138, MONDO:0013436, OMIM 613809.

Allele frequency attached by ClinVar (database versions not stated): gnomAD exomes below 0.00001; ExAC 0.00001.
gnomAD v4.1: 1 of 1,613,380 alleles (0.000062%); highest among the groups gnomAD compares: Non-Finnish European, 0.000085%; no homozygotes.

Submissions (3):

Baylor Genetics
Classification: Likely pathogenic for Retinitis pigmentosa 39. Last evaluated: 2023-02-23. Review status: criteria provided, single submitter. Criteria: ACMG Guidelines, 2015. Collection method: clinical testing. Allele origin: unknown.

Labcorp Genetics (formerly Invitae), Labcorp
Classification: Pathogenic. Last evaluated: 2021-12-27. Review status: criteria provided, single submitter. Criteria: Invitae Variant Classification Sherloc (09022015). Collection method: clinical testing. Allele origin: germline.
Comment: For these reasons, this variant has been classified as Pathogenic. This premature translational stop signal has been observed in individual(s) with Usher syndrome, type 2 (PMID: 22135276). This variant is present in population databases (rs769612846, gnomAD 0.0009%). This sequence change creates a premature translational stop signal (p.Trp1607*) in the USH2A gene. It is expected to result in an absent or disrupted protein product. Loss-of-function variants in USH2A are known to be pathogenic (PMID: 10729113, 10909849, 20507924, 25649381).

Blueprint Genetics
Classification: Pathogenic for USH2A-related disorders. Last evaluated: 2021-02-26. Review status: criteria provided, single submitter. Criteria: ACMG Guidelines, 2015. Collection method: clinical testing. Allele origin: germline. Affected: yes. Observed: 1 variant allele.

Literature cited by the submitters: PubMed 22135276 (cited by Labcorp Genetics (formerly Invitae), Labcorp); PubMed 10729113 (cited by Labcorp Genetics (formerly Invitae), Labcorp); PubMed 10909849 (cited by Labcorp Genetics (formerly Invitae), Labcorp); PubMed 20507924 (cited by Labcorp Genetics (formerly Invitae), Labcorp); PubMed 25649381 (cited by Labcorp Genetics (formerly Invitae), Labcorp).